The following is an entry in ClinVar:

NM_001303052.2(MYT1L):c.2201C>T (p.Thr734Ile)

Gene: MYT1L (myelin transcription factor 1 like; minus strand). Cytogenetic location: 2p25.3.
Variant type: single nucleotide variant.
Coding change: c.2201C>T on transcript NM_001303052.2 (MANE Select); coding-DNA position 2201, C replaced by T.
Protein change: p.Thr734Ile; replaces threonine 734 with isoleucine.
Molecular consequence: missense variant.
Genome position (GRCh38, 1-based): chr2:1,892,119, G>A on the plus strand (C>T on the coding strand, the complement: MYT1L is on the minus strand). VCF-style: chr2-1892119-G-A. GRCh37 (hg19) VCF-style: chr2-1895891-G-A.
Other names: c.2201C>T, p.Thr734Ile (NM_001329844.2, NM_001329845.1, NM_001329851.3); c.2195C>T, p.Thr732Ile (NM_001329846.3, NM_001329847.2, NM_001329848.1 and 3 more transcripts); short protein forms T732I, T734I.
Identifiers: ClinVar variation 1803567 (VCV001803567.2), dbSNP rs2550728222, ClinGen allele CA345712273.

ClinVar aggregate classification (germline): Uncertain significance (1 of 4 stars; one submission).

Allele frequency attached by ClinVar (database versions not stated): gnomAD exomes below 0.00001.
gnomAD v4.1: 1 of 1,546,580 alleles (0.000065%); highest among the groups gnomAD compares: Non-Finnish European, 0.000087%; no homozygotes.

Submission:

GeneDx
Classification: Uncertain significance. Last evaluated: 2026-10-01. Review status: criteria provided, single submitter. Criteria: GeneDx Variant Classification Process June 2021. Collection method: clinical testing. Allele origin: germline.
Comment: Not observed at significant frequency in large population cohorts (gnomAD); In silico analysis supports that this missense variant has a deleterious effect on protein structure/function; Has not been previously published as pathogenic or benign to our knowledge